The following is an entry in ClinVar:

ClinVar aggregate classification (germline): Uncertain significance. Review status: criteria provided, multiple submitters, no conflicts (2 of 4 stars). 3 submissions from 3 submitters: Uncertain significance (3). Last evaluated 2024-05-10.

Conditions:
Hereditary cancer-predisposing syndrome. Also called: Tumor predisposition; Hereditary neoplastic syndrome; Hereditary Cancer Syndrome; Neoplastic Syndromes, Hereditary. Identifiers: Orphanet 140162, MedGen C0027672, MeSH D009386, MONDO:0015356.

gnomAD v4.1: 1 of 1,612,338 alleles (0.000062%); highest among the groups gnomAD compares: Non-Finnish European, 0.000085%; no homozygotes.

Submissions (3):

Ambry Genetics
Classification: Uncertain significance for Hereditary cancer-predisposing syndrome. Last evaluated: 2024-05-10. Review status: criteria provided, single submitter. Criteria: Ambry Variant Classification Scheme 2023. Collection method: clinical testing. Allele origin: germline.
Comment: The p.Y1064F variant (also known as c.3191A>T), located in coding exon 11 of the PALB2 gene, results from an A to T substitution at nucleotide position 3191. The tyrosine at codon 1064 is replaced by phenylalanine, an amino acid with highly similar properties. This amino acid position is highly conserved in available vertebrate species. In addition, this alteration is predicted to be tolerated by in silico analysis. Based on the available evidence, the clinical significance of this variant remains unclear.

Color Diagnostics, LLC DBA Color Health
Classification: Uncertain significance for Hereditary cancer-predisposing syndrome. Last evaluated: 2024-02-13. Review status: criteria provided, single submitter. Criteria: ACMG Guidelines, 2015. Collection method: clinical testing. Allele origin: germline.
Comment: This missense variant replaces tyrosine with phenylalanine at codon 1064 of the PALB2 protein. Computational prediction suggests that this variant may not impact protein structure and function. To our knowledge, functional studies have not been reported for this variant. This variant has been reported in individuals suspected of having Lynch syndrome (PMID: 25980754). This variant has not been identified in the general population by the Genome Aggregation Database (gnomAD). The available evidence is insufficient to determine the role of this variant in disease conclusively. Therefore, this variant is classified as a Variant of Uncertain Significance.

GeneDx
Classification: Uncertain significance. Last evaluated: 2022-05-09. Review status: criteria provided, single submitter. Criteria: GeneDx Variant Classification Process June 2021. Collection method: clinical testing. Allele origin: germline. Affected: yes.
Comment: Not observed at significant frequency in large population cohorts (gnomAD); In silico analysis supports that this missense variant has a deleterious effect on protein structure/function; Observed in an individual undergoing hereditary cancer testing for Lynch syndrome (Yurgelun 2015); This variant is associated with the following publications: (PMID: 24485656, 19609323, 20871615, 25980754)

Literature cited by the submitters: PubMed 25980754 (cited by Color Diagnostics, LLC DBA Color Health).

NM_024675.4(PALB2):c.3191A>T (p.Tyr1064Phe)

Gene: PALB2 (partner and localizer of BRCA2; minus strand). Cytogenetic location: 16p12.2.
Variant type: single nucleotide variant.
Coding change: c.3191A>T on transcript NM_024675.4 (MANE Select); coding-DNA position 3191, A replaced by T.
Protein change: p.Tyr1064Phe; replaces tyrosine 1064 with phenylalanine.
Molecular consequence: missense variant.
Genome position (GRCh38, 1-based): chr16:23,614,014, T>A on the plus strand (A>T on the coding strand, the complement: PALB2 is on the minus strand). VCF-style: chr16-23614014-T-A. GRCh37 (hg19) VCF-style: chr16-23625335-T-A.
Other names: short protein forms Y1064F.
Identifiers: ClinVar variation 1172175 (VCV001172175.6), dbSNP rs730881893, ClinGen allele CA395141129.